The following is an entry in ClinVar:

NM_020822.3(KCNT1):c.491+3G>A

Gene: KCNT1 (potassium sodium-activated channel subfamily T member 1; plus strand). Cytogenetic location: 9q34.3.
Variant type: single nucleotide variant.
Coding change: c.491+3G>A on transcript NM_020822.3 (MANE Select); 3 bases into the intron after coding-DNA position 491, G replaced by A.
Molecular consequence: intron variant.
Genome position (GRCh38, 1-based): chr9:135,753,996, G>A. VCF-style: chr9-135753996-G-A. GRCh37 (hg19) VCF-style: chr9-138645842-G-A.
Other names: c.347+3G>A (NM_001272003.2).
Identifiers: ClinVar variation 1447821 (VCV001447821.7), dbSNP rs943935808, ClinGen allele CA201458055.
Genomic context (GRCh38, chr9:135,753,996, plus strand): 5'-GCTGGGGCTGCCCAAAGCAGAACTACTCCTTCAATGACTCGTCCTCCGAGATCAACTGGT[G>A]AGTCCACACTCCAGCTCCCAATAGCCAGGCGCTCAGAGGCCTGGGACCAGGGTGGGGTGG-3'

ClinVar aggregate classification (germline): Uncertain significance. Review status: criteria provided, multiple submitters, no conflicts (2 of 4 stars). 2 submissions from 2 submitters: Uncertain significance (2). Last evaluated 2026-02-03.

Conditions:
Developmental and epileptic encephalopathy, 14 (DEE14). Also called: Early infantile epileptic encephalopathy 14. Identifiers: Orphanet 293181, MedGen C3554195, MONDO:0013989, OMIM 614959.
Autosomal dominant nocturnal frontal lobe epilepsy 5. Also called: KCNT1-Related Epilepsy; CILIARY DYSKINESIA, PRIMARY, 28, WITH SITUS INVERSUS; Epilepsy, nocturnal frontal lobe, 5; CILIARY DYSKINESIA, PRIMARY, 28, WITHOUT SITUS INVERSUS. Identifiers: Orphanet 98784, MedGen C3554306, MONDO:0014002, OMIM 615005.

Allele frequency attached by ClinVar (database versions not stated): gnomAD exomes below 0.00001; gnomAD 0.00001 and 0.00002; TOPMed 0.00001.
gnomAD v4.1: 4 of 1,613,810 alleles (0.00025%); highest among the groups gnomAD compares: Non-Finnish European, 0.00017%; no homozygotes.

Submissions (2):

Labcorp Genetics (formerly Invitae), Labcorp
Classification: Uncertain significance for Autosomal dominant nocturnal frontal lobe epilepsy 5; Developmental and epileptic encephalopathy, 14. Last evaluated: 2026-02-03. Review status: criteria provided, single submitter. Criteria: Invitae Variant Classification Sherloc (09022015). Collection method: clinical testing. Allele origin: germline.
Comment: This sequence change falls in intron 5 of the KCNT1 gene. It does not directly change the encoded amino acid sequence of the KCNT1 protein. It affects a nucleotide within the consensus splice site. This variant is not present in population databases (gnomAD no frequency). This variant has not been reported in the literature in individuals affected with KCNT1-related conditions. ClinVar contains an entry for this variant (Variation ID: 1447821). Variants that disrupt the consensus splice site are a relatively common cause of aberrant splicing (PMID: 17576681, 9536098). Algorithms developed to predict the effect of sequence changes on RNA splicing suggest that this variant is not likely to affect RNA splicing. In summary, the available evidence is currently insufficient to determine the role of this variant in disease. Therefore, it has been classified as a Variant of Uncertain Significance.

Laboratorio de Genetica e Diagnostico Molecular, Hospital Israelita Albert Einstein
Classification: Uncertain significance for Developmental and epileptic encephalopathy, 14. Last evaluated: 2022-11-01. Review status: criteria provided, single submitter. Criteria: ACMG Guidelines, 2015. Collection method: clinical testing. Allele origin: germline. Affected: yes.
Comment: ACMG classification criteria: PM2 moderated

Literature cited by the submitters: PubMed 17576681 (cited by Labcorp Genetics (formerly Invitae), Labcorp); PubMed 9536098 (cited by Labcorp Genetics (formerly Invitae), Labcorp).